The following is an entry in ClinVar:

ClinVar aggregate classification (germline): Uncertain significance. Review status: criteria provided, multiple submitters, no conflicts (2 of 4 stars). 2 submissions from 2 submitters: Uncertain significance (2). Last evaluated 2021-05-07.

Conditions:
Emery-Dreifuss muscular dystrophy 5, autosomal dominant (EDMD5). Also called: EMERY-DREIFUSS MUSCULAR DYSTROPHY 5. Identifiers: Orphanet 261, MedGen C2751805, MONDO:0013072, OMIM 612999.

Allele frequency attached by ClinVar (database versions not stated): TOPMed below 0.00001; ExAC 0.00001; gnomAD 0.00001; gnomAD exomes 0.00002 and 0.00004.
gnomAD v4.1: 55 of 1,613,972 alleles (0.0034%); highest among the groups gnomAD compares: Non-Finnish European, 0.0044%; no homozygotes.

Submissions (2):

Labcorp Genetics (formerly Invitae), Labcorp
Classification: Uncertain significance for Emery-Dreifuss muscular dystrophy 5, autosomal dominant. Last evaluated: 2021-05-07. Review status: criteria provided, single submitter. Criteria: Invitae Variant Classification Sherloc (09022015). Collection method: clinical testing. Allele origin: germline.
Comment: This sequence change replaces alanine with valine at codon 4798 of the SYNE2 protein (p.Ala4798Val). The alanine residue is weakly conserved and there is a small physicochemical difference between alanine and valine. In summary, the available evidence is currently insufficient to determine the role of this variant in disease. Therefore, it has been classified as a Variant of Uncertain Significance. Algorithms developed to predict the effect of missense changes on protein structure and function (SIFT, PolyPhen-2, Align-GVGD) all suggest that this variant is likely to be tolerated, but these predictions have not been confirmed by published functional studies and their clinical significance is uncertain. This variant has not been reported in the literature in individuals with SYNE2-related conditions. This variant is present in population databases (rs770006520, ExAC 0.001%).

Revvity Omics, Revvity
Classification: Uncertain significance for Emery-Dreifuss muscular dystrophy 5, autosomal dominant. Last evaluated: 2019-07-13. Review status: criteria provided, single submitter. Criteria: ACMG Guidelines, 2015. Collection method: clinical testing. Allele origin: germline.

NM_182914.3(SYNE2):c.14393C>T (p.Ala4798Val)

Gene: SYNE2 (spectrin repeat containing nuclear envelope protein 2; plus strand). Cytogenetic location: 14q23.2.
Variant type: single nucleotide variant.
Coding change: c.14393C>T on transcript NM_182914.3 (MANE Select); coding-DNA position 14393, C replaced by T.
Protein change: p.Ala4798Val; replaces alanine 4798 with valine.
Molecular consequence: missense variant.
Genome position (GRCh38, 1-based): chr14:64,132,317, C>T. VCF-style: chr14-64132317-C-T. GRCh37 (hg19) VCF-style: chr14-64599035-C-T.
Other names: c.14393C>T, p.Ala4798Val (NM_015180.6); c.14393C>T (NM_182914.2); short protein forms A4798V.
Identifiers: ClinVar variation 1435312 (VCV001435312.10), dbSNP rs770006520, ClinGen allele CA7222778.